The following is an entry in ClinVar:

ClinVar aggregate classification (germline): Conflicting classifications of pathogenicity. Review status: criteria provided, conflicting classifications (1 of 4 stars). 3 submissions from 3 submitters: Uncertain significance (2); Likely benign (1). Last evaluated 2025-07-21.

Conditions:
Cardiovascular phenotype. Identifiers: MedGen CN230736.
Long QT syndrome (LQTS). Identifiers: MedGen C0023976, MeSH D008133, MONDO:0002442. Disease mechanism: loss of function. Inheritance: Various modes of inheritance.

Allele frequency attached by ClinVar (database versions not stated): gnomAD 0.00003 and 0.00002; gnomAD exomes 0.00002 and 0.00004; TOPMed 0.00002; ExAC 0.00002.
gnomAD v4.1: 31 of 1,613,166 alleles (0.0019%); highest among the groups gnomAD compares: East Asian, 0.0089%; no homozygotes.

Submissions (3):

Labcorp Genetics (formerly Invitae), Labcorp
Classification: Uncertain significance for Long QT syndrome. Last evaluated: 2025-07-21. Review status: criteria provided, single submitter. Criteria: Invitae Variant Classification Sherloc (09022015). Collection method: clinical testing. Allele origin: germline.
Comment: This sequence change replaces valine, which is neutral and non-polar, with isoleucine, which is neutral and non-polar, at codon 3728 of the ANK2 protein (p.Val3728Ile). This variant is present in population databases (rs773907372, gnomAD 0.03%). This variant has not been reported in the literature in individuals affected with ANK2-related conditions. ClinVar contains an entry for this variant (Variation ID: 993329). Invitae Evidence Modeling of protein sequence and biophysical properties (such as structural, functional, and spatial information, amino acid conservation, physicochemical variation, residue mobility, and thermodynamic stability) indicates that this missense variant is not expected to disrupt ANK2 protein function with a negative predictive value of 80%. In summary, the available evidence is currently insufficient to determine the role of this variant in disease. Therefore, it has been classified as a Variant of Uncertain Significance.

Ambry Genetics
Classification: Likely benign for Cardiovascular phenotype. Last evaluated: 2020-02-27. Review status: criteria provided, single submitter. Criteria: Ambry Variant Classification Scheme 2023. Collection method: clinical testing. Allele origin: germline.

ARUP Laboratories, Molecular Genetics and Genomics, ARUP Laboratories
Classification: Uncertain significance. Last evaluated: 2019-10-05. Review status: criteria provided, single submitter. Criteria: ARUP Molecular Germline Variant Investigation Process. Collection method: clinical testing. Allele origin: germline.
Comment: The ANK2 c.11182G>A; p.Val3728Ile (rs773907372), to our knowledge, is not reported in the medical literature or gene-specific databases. This variant is found in the general population with an overall allele frequency of 0.004% (11/282588 alleles) in the Genome Aggregation Database. The valine at codon 3728 is weakly conserved, and computational analyses (SIFT, PolyPhen-2) predict that this variant is tolerated. However, due to limited information, the clinical significance of the p.Val3728Ile variant is uncertain at this time.

NM_001148.6(ANK2):c.11182G>A (p.Val3728Ile)

Gene: ANK2 (ankyrin 2; plus strand). Cytogenetic location: 4q26.
Variant type: single nucleotide variant.
Coding change: c.11182G>A on transcript NM_001148.6 (MANE Select); coding-DNA position 11182, G replaced by A.
Protein change: p.Val3728Ile; replaces valine 3728 with isoleucine.
Molecular consequence: missense variant.
Genome position (GRCh38, 1-based): chr4:113,367,715, G>A. VCF-style: chr4-113367715-G-A. GRCh37 (hg19) VCF-style: chr4-114288871-G-A.
Other names: c.4900G>A, p.Val1634Ile (NM_001127493.3); c.4939G>A, p.Val1647Ile (NM_001354225.2); c.4828G>A, p.Val1610Ile (NM_001354228.2, NM_001354258.2); c.4906G>A, p.Val1636Ile (NM_001354230.2); c.4969G>A, p.Val1657Ile (NM_001354231.2, NM_001354242.2); c.4963G>A, p.Val1655Ile (NM_001354232.2); c.4924G>A, p.Val1642Ile (NM_001354235.2, NM_001354246.2, NM_001354265.2); c.4825G>A, p.Val1609Ile (NM_001354236.2); and 35 more; short protein forms V1482I, V1515I, V1543I, V1548I, V1556I, V1565I, V1568I, V1570I.
Identifiers: ClinVar variation 993329 (VCV000993329.12), dbSNP rs773907372, ClinGen allele CA3052242.
Genomic context (GRCh38, chr4:113,367,715, plus strand): 5'-CACCCTCCTATCGTCTCAGAGGAAGACATTTCTGTTGGTTATTCCACTTTTCAGGATGGC[G>A]TCCCCAAAACTGAGGGGGACAGCTCAGCAACAGCACTCTTTCCCCAAACTCACAAGGAGC-3'
Protein context (NP_001139.3, residues 3718-3738): SVGYSTFQDG[Val3728Ile]PKTEGDSSAT